The following is an entry in ClinVar:

NM_000718.4(CACNA1B):c.3068+3G>A

Gene: CACNA1B (calcium voltage-gated channel subunit alpha1 B; plus strand). Cytogenetic location: 9q34.3.
Variant type: single nucleotide variant.
Coding change: c.3068+3G>A on transcript NM_000718.4 (MANE Select); 3 bases into the intron after coding-DNA position 3068, G replaced by A.
Molecular consequence: intron variant.
Genome position (GRCh38, 1-based): chr9:138,023,814, G>A. VCF-style: chr9-138023814-G-A. GRCh37 (hg19) VCF-style: chr9-140918266-G-A.
Other names: c.3068+3G>A (NM_001243812.2).
Identifiers: ClinVar variation 2103674 (VCV002103674.4), dbSNP rs775424772, ClinGen allele CA5376517.
Genomic context (GRCh38, chr9:138,023,814, plus strand): 5'-AGGAGGCTGAGATAGTGGAAGCCGACAAGGAAAAGGAGCTCCGGAACCACCAGCCCCGGT[G>A]AGTCCGCGGCTGGGCGGGGTCAGGGAGGGAAGGGTTGGCCGGGGCGGCGCGGGCCCCAGC-3'

ClinVar aggregate classification (germline): Uncertain significance (1 of 4 stars; one submission).

Allele frequency attached by ClinVar (database versions not stated): gnomAD 0.00001; gnomAD exomes 0.00001; TOPMed 0.00001; ExAC 0.00006.
gnomAD v4.1: 5 of 1,332,324 alleles (0.00038%); highest among the groups gnomAD compares: East Asian, 0.0025%; no homozygotes.

Submission:

Labcorp Genetics (formerly Invitae), Labcorp
Classification: Uncertain significance. Last evaluated: 2022-06-13. Review status: criteria provided, single submitter. Criteria: Invitae Variant Classification Sherloc (09022015). Collection method: clinical testing. Allele origin: germline.
Comment: In summary, the available evidence is currently insufficient to determine the role of this variant in disease. Therefore, it has been classified as a Variant of Uncertain Significance. Variants that disrupt the consensus splice site are a relatively common cause of aberrant splicing (PMID: 17576681, 9536098). Algorithms developed to predict the effect of sequence changes on RNA splicing suggest that this variant is not likely to affect RNA splicing. This variant has not been reported in the literature in individuals affected with CACNA1B-related conditions. This variant is present in population databases (rs775424772, gnomAD 0.02%). This sequence change falls in intron 19 of the CACNA1B gene. It does not directly change the encoded amino acid sequence of the CACNA1B protein. It affects a nucleotide within the consensus splice site.

Literature cited by the submitters: PubMed 17576681; PubMed 9536098.